The following is an entry in ClinVar:

NM_000053.4(ATP7B):c.2605G>T (p.Gly869Ter)

Gene: ATP7B (ATPase copper transporting beta; minus strand). Cytogenetic location: 13q14.3.
Variant type: single nucleotide variant.
Coding change: c.2605G>T on transcript NM_000053.4 (MANE Select); coding-DNA position 2605, G replaced by T.
Protein change: p.Gly869Ter; replaces glycine 869 with a stop codon.
Molecular consequence: nonsense.
Genome position (GRCh38, 1-based): chr13:51,950,132, C>A on the plus strand (G>T on the coding strand, the complement: ATP7B is on the minus strand). VCF-style: chr13-51950132-C-A. GRCh37 (hg19) VCF-style: chr13-52524268-C-A.
Other names: c.2119G>T, p.Gly707Ter (NM_001005918.3); c.2272G>T, p.Gly758Ter (NM_001243182.2); c.2371G>T, p.Gly791Ter (NM_001330578.2); c.2353G>T, p.Gly785Ter (NM_001330579.2); short protein forms G707*, G758*, G785*, G791*, G869*.
Identifiers: ClinVar variation 1338419 (VCV001338419.9), dbSNP rs191312027, ClinGen allele CA6988948.

ClinVar aggregate classification (germline): Pathogenic. Review status: criteria provided, multiple submitters, no conflicts (2 of 4 stars). 3 submissions from 3 submitters: Pathogenic (3). Last evaluated 2023-08-01.

Conditions:
Wilson disease (WND). Also called: Wilson's disease. Identifiers: Orphanet 905, MedGen C0019202, MONDO:0010200, OMIM 277900. Disease mechanism: loss of function.

gnomAD v4.1: 4 of 1,614,172 alleles (0.00025%); highest among the groups gnomAD compares: Non-Finnish European, 0.00034%; no homozygotes.

Submissions (3):

Labcorp Genetics (formerly Invitae), Labcorp
Classification: Pathogenic for Wilson disease. Last evaluated: 2023-08-01. Review status: criteria provided, single submitter. Criteria: Invitae Variant Classification Sherloc (09022015). Collection method: clinical testing. Allele origin: germline.
Comment: This variant is present in population databases (rs191312027, gnomAD 0.0009%). For these reasons, this variant has been classified as Pathogenic. ClinVar contains an entry for this variant (Variation ID: 1338419). This premature translational stop signal has been observed in individual(s) with Wilson disease (PMID: 31708252). This sequence change creates a premature translational stop signal (p.Gly869*) in the ATP7B gene. It is expected to result in an absent or disrupted protein product. Loss-of-function variants in ATP7B are known to be pathogenic (PMID: 10441329, 16283883).

Baylor Genetics
Classification: Pathogenic for Wilson disease. Last evaluated: 2022-03-02. Review status: criteria provided, single submitter. Criteria: ACMG Guidelines, 2015. Collection method: clinical testing. Allele origin: unknown.

Genetic Services Laboratory, University of Chicago
Classification: Pathogenic. Last evaluated: 2018-06-18. Review status: criteria provided, single submitter. Criteria: ACMG Guidelines, 2015. Collection method: clinical testing. Allele origin: germline. Affected: yes.
Comment: DNA sequence analysis of the ATP7B gene demonstrated the c.2605G>T sequence change in exon 11, that results in the creation of a premature stop codon at amino acid position 869, p.Gly869*. This pathogenic sequence change is predicted to result in an abnormal transcript, which may be degraded, or may lead to the production of a truncated ATP7B protein with potentially abnormal function. Truncating variants in ATP7B have been previously described in patients with Wilson disease (PMID: 18373411).

Literature cited by the submitters: PubMed 31708252 (cited by Labcorp Genetics (formerly Invitae), Labcorp); PubMed 10441329 (cited by Labcorp Genetics (formerly Invitae), Labcorp); PubMed 16283883 (cited by Labcorp Genetics (formerly Invitae), Labcorp).